The following is an entry in ClinVar:

NM_014425.5(INVS):c.2984C>A (p.Ser995Tyr)

Gene: INVS (inversin; plus strand). Cytogenetic location: 9q31.1.
Variant type: single nucleotide variant.
Coding change: c.2984C>A on transcript NM_014425.5 (MANE Select); coding-DNA position 2984, C replaced by A.
Protein change: p.Ser995Tyr; replaces serine 995 with tyrosine.
Molecular consequence: missense variant. On other transcripts: non-coding transcript variant (1).
Genome position (GRCh38, 1-based): chr9:100,297,114, C>A. VCF-style: chr9-100297114-C-A. GRCh37 (hg19) VCF-style: chr9-103059396-C-A.
Other names: c.2696C>A, p.Ser899Tyr (NM_001318381.2); c.2006C>A, p.Ser669Tyr (NM_001318382.2); c.2984C>A (NM_014425.2); short protein forms S899Y, S995Y, S669Y.
Identifiers: ClinVar variation 2063335 (VCV002063335.5), dbSNP rs2490134818, ClinGen allele CA374245382.

ClinVar aggregate classification (germline): Uncertain significance. Review status: criteria provided, multiple submitters, no conflicts (2 of 4 stars). 2 submissions from 2 submitters: Uncertain significance (2). Last evaluated 2025-04-28.

Conditions:
Nephronophthisis. Also called: Juvenile Nephronophthisis. Identifiers: Orphanet 655, MedGen C0687120, MONDO:0019005, HP:0000090.
Inborn genetic diseases. Identifiers: MedGen C0950123, MeSH D030342.

Allele frequency attached by ClinVar (database versions not stated): gnomAD exomes below 0.00001.
gnomAD v4.1: 1 of 1,614,050 alleles (0.000062%); highest among the groups gnomAD compares: Non-Finnish European, 0.000085%; no homozygotes.

Submissions (2):

Labcorp Genetics (formerly Invitae), Labcorp
Classification: Uncertain significance for Nephronophthisis. Last evaluated: 2025-04-28. Review status: criteria provided, single submitter. Criteria: Invitae Variant Classification Sherloc (09022015). Collection method: clinical testing. Allele origin: germline.
Comment: This sequence change replaces serine, which is neutral and polar, with tyrosine, which is neutral and polar, at codon 995 of the INVS protein (p.Ser995Tyr). This variant is not present in population databases (gnomAD no frequency). This variant has not been reported in the literature in individuals affected with INVS-related conditions. ClinVar contains an entry for this variant (Variation ID: 2063335). An algorithm developed to predict the effect of missense changes on protein structure and function (PolyPhen-2) suggests that this variant is likely to be tolerated. In summary, the available evidence is currently insufficient to determine the role of this variant in disease. Therefore, it has been classified as a Variant of Uncertain Significance.

Ambry Genetics
Classification: Uncertain significance for Inborn genetic diseases. Last evaluated: 2024-10-24. Review status: criteria provided, single submitter. Criteria: Ambry Variant Classification Scheme 2023. Collection method: clinical testing. Allele origin: germline.